The following is an entry in ClinVar:

NM_033109.5(PNPT1):c.1849C>T (p.Arg617Ter)

Gene: PNPT1 (polyribonucleotide nucleotidyltransferase 1; minus strand). Cytogenetic location: 2p16.1.
Variant type: single nucleotide variant.
Coding change: c.1849C>T on transcript NM_033109.5 (MANE Select); coding-DNA position 1849, C replaced by T.
Protein change: p.Arg617Ter; replaces arginine 617 with a stop codon.
Molecular consequence: nonsense.
Genome position (GRCh38, 1-based): chr2:55,644,694, G>A on the plus strand (C>T on the coding strand, the complement: PNPT1 is on the minus strand). VCF-style: chr2-55644694-G-A. GRCh37 (hg19) VCF-style: chr2-55871829-G-A.
Other names: c.1849C>T (NM_033109.4); short protein forms R617*.
Identifiers: ClinVar variation 1801705 (VCV001801705.3), dbSNP rs992877769, ClinGen allele CA47650730.

ClinVar aggregate classification (germline): Pathogenic/Likely pathogenic. Review status: criteria provided, multiple submitters, no conflicts (2 of 4 stars). 3 submissions from 3 submitters: Pathogenic (1); Likely pathogenic (2). Last evaluated 2025-05-27.

Conditions:
PNPT1-related disorder. Also called: PNPT1-related condition; PNPT1-related disorders.
Global developmental delay (DD). Also called: Cognitive delay. Identifiers: MedGen C0557874, HP:0001263. Disease mechanism: loss of function.

Allele frequency attached by ClinVar (database versions not stated): gnomAD 0.00001; TOPMed 0.00001.
gnomAD v4.1: 5 of 1,611,460 alleles (0.00031%); highest among the groups gnomAD compares: Non-Finnish European, 0.00034%; no homozygotes.

Submissions (3):

GeneDx
Classification: Pathogenic. Last evaluated: 2025-05-27. Review status: criteria provided, single submitter. Criteria: GeneDx Variant Classification Process June 2021. Collection method: clinical testing. Allele origin: germline. Affected: yes.
Comment: Observed as a parentally inherited variant in a patient from a cohort of individuals with autism spectrum disorder; however, additional clinical information was not provided (PMID: 28191890); Nonsense variant predicted to result in protein truncation or nonsense mediated decay in a gene for which loss of function is a known mechanism of disease; Not observed at significant frequency in large population cohorts (gnomAD); This variant is associated with the following publications: (PMID: 28191890)

Blueprint Genetics
Classification: Likely pathogenic for PNPT1-related disorders. Last evaluated: 2024-08-20. Review status: criteria provided, single submitter. Criteria: ACMG Guidelines, 2015. Collection method: clinical testing. Allele origin: germline. Affected: yes. Observed: 1 variant allele.

Human Genetics Bochum, Ruhr University Bochum
Classification: Likely pathogenic for Global developmental delay. Last evaluated: 2022-07-27. Review status: criteria provided, single submitter. Criteria: ACMG Guidelines, 2015. Collection method: clinical testing. Allele origin: germline. Affected: yes.
Comment: ACMG criteria used to clasify this variant: PVS1, PM2_SUP